The following is an entry in ClinVar:

NM_001287491.2(TET3):c.910C>T (p.Leu304Phe)

Gene: TET3 (tet methylcytosine dioxygenase 3; plus strand). Cytogenetic location: 2p13.1.
Variant type: single nucleotide variant.
Coding change: c.910C>T on transcript NM_001287491.2 (MANE Select); coding-DNA position 910, C replaced by T.
Protein change: p.Leu304Phe; replaces leucine 304 with phenylalanine.
Molecular consequence: missense variant.
Genome position (GRCh38, 1-based): chr2:74,046,827, C>T. VCF-style: chr2-74046827-C-T. GRCh37 (hg19) VCF-style: chr2-74273954-C-T.
Other names: c.631C>T, p.Leu211Phe (NM_001366022.1); short protein forms L211F, L304F.
Identifiers: ClinVar variation 5018031 (VCV005018031.1).

ClinVar aggregate classification (germline): Uncertain significance (1 of 4 stars; one submission).

Submission:

GeneDx
Classification: Uncertain significance. Last evaluated: 2026-04-07. Review status: criteria provided, single submitter. Criteria: GeneDx Variant Classification Process June 2021. Collection method: clinical testing. Allele origin: germline.
Comment: Not observed at significant frequency in large population cohorts (gnomAD); In silico analysis suggests that this missense variant does not alter protein structure/function; Has not been previously published as pathogenic or benign to our knowledge